The following is an entry in ClinVar:

ClinVar aggregate classification (germline): Pathogenic (1 of 4 stars; one submission).

Submission:

Labcorp Genetics (formerly Invitae), Labcorp
Classification: Pathogenic. Last evaluated: 2022-08-30. Review status: criteria provided, single submitter. Criteria: Invitae Variant Classification Sherloc (09022015). Collection method: clinical testing. Allele origin: germline.
Comment: This sequence change results in a frameshift in the NSD1 gene (p.Asn2682Thrfs*79). While this is not anticipated to result in nonsense mediated decay, it is expected to disrupt the last 15 amino acid(s) of the NSD1 protein and extend the protein by 63 additional amino acid residues. This frameshift has been observed in individual(s) with NSD1-related conditions (Invitae). In at least one individual the variant was observed to be de novo. This variant is not present in population databases (gnomAD no frequency). For these reasons, this variant has been classified as Pathogenic.

NM_022455.5(NSD1):c.8045del (p.Asn2682fs)

Gene: NSD1 (nuclear receptor binding SET domain protein 1; plus strand). Cytogenetic location: 5q35.3.
Variant type: Deletion.
Coding change: c.8045del on transcript NM_022455.5 (MANE Select); coding-DNA position 8045, one base deleted (A; older notation c.8045delA).
Protein change: p.Asn2682fs; shifts the reading frame from asparagine 2682.
Molecular consequence: frameshift variant.
Genome position (GRCh38, 1-based): chr5:177,295,413, A deleted; the last of 2 consecutive A bases (chr5:177,295,412-177,295,413); deleting either gives the same sequence. VCF-style (leftmost placement, unchanged base first): chr5-177295411-TA-T. GRCh37 (hg19) VCF-style: chr5-176722412-TA-T.
Other names: c.7172delA, p.Asn2391Thrfs (NM_001365684.2, NM_001409308.1, NM_172349.5); c.8045delA, p.Asn2682Thrfs (NM_001409301.1, NM_001409302.1, NM_001409303.1); c.7625delA, p.Asn2542Thrfs (NM_001409304.1); c.7292delA, p.Asn2431Thrfs (NM_001409305.1); c.7283delA, p.Asn2428Thrfs (NM_001409306.1, NM_001409307.1); c.6923delA, p.Asn2308Thrfs (NM_001409309.1); short protein forms N2413fs, N2682fs.
Identifiers: ClinVar variation 2019806 (VCV002019806.4), dbSNP rs2480842251, ClinGen allele CA2580074166.